The following is an entry in ClinVar:

ClinVar aggregate classification (germline): Uncertain significance. Review status: criteria provided, multiple submitters, no conflicts (2 of 4 stars). 2 submissions from 2 submitters: Uncertain significance (2). Last evaluated 2022-12-24.

Conditions:
Hereditary cancer-predisposing syndrome. Also called: Neoplastic Syndromes, Hereditary; Tumor predisposition; Hereditary Cancer Syndrome; Hereditary neoplastic syndrome. Identifiers: Orphanet 140162, MedGen C0027672, MeSH D009386, MONDO:0015356.

Submissions (2):

Labcorp Genetics (formerly Invitae), Labcorp
Classification: Uncertain significance for Hereditary cancer-predisposing syndrome. Last evaluated: 2022-12-24. Review status: criteria provided, single submitter. Criteria: Invitae Variant Classification Sherloc (09022015). Collection method: clinical testing. Allele origin: germline.
Comment: Advanced modeling of protein sequence and biophysical properties (such as structural, functional, and spatial information, amino acid conservation, physicochemical variation, residue mobility, and thermodynamic stability) performed at Invitae indicates that this missense variant is expected to disrupt RAD50 protein function. This sequence change replaces asparagine, which is neutral and polar, with tyrosine, which is neutral and polar, at codon 340 of the RAD50 protein (p.Asn340Tyr). This variant is not present in population databases (gnomAD no frequency). This variant has not been reported in the literature in individuals affected with RAD50-related conditions. ClinVar contains an entry for this variant (Variation ID: 484691). In summary, the available evidence is currently insufficient to determine the role of this variant in disease. Therefore, it has been classified as a Variant of Uncertain Significance.

Ambry Genetics
Classification: Uncertain significance for Hereditary cancer-predisposing syndrome. Last evaluated: 2022-08-16. Review status: criteria provided, single submitter. Criteria: Ambry Variant Classification Scheme 2023. Collection method: clinical testing. Allele origin: germline.
Comment: The p.N340Y variant (also known as c.1018A>T), located in coding exon 7 of the RAD50 gene, results from an A to T substitution at nucleotide position 1018. The asparagine at codon 340 is replaced by tyrosine, an amino acid with dissimilar properties. This amino acid position is well conserved in available vertebrate species. In addition, this alteration is predicted to be tolerated by in silico analysis. Since supporting evidence is limited at this time, the clinical significance of this alteration remains unclear.

NM_005732.4(RAD50):c.1018A>T (p.Asn340Tyr)

Gene: RAD50 (RAD50 double strand break repair protein; plus strand). Cytogenetic location: 5q31.1.
Variant type: single nucleotide variant.
Coding change: c.1018A>T on transcript NM_005732.4 (MANE Select); coding-DNA position 1018, A replaced by T.
Protein change: p.Asn340Tyr; replaces asparagine 340 with tyrosine.
Molecular consequence: missense variant.
Genome position (GRCh38, 1-based): chr5:132,588,056, A>T. VCF-style: chr5-132588056-A-T. GRCh37 (hg19) VCF-style: chr5-131923748-A-T.
Other names: short protein forms N340Y.
Identifiers: ClinVar variation 484691 (VCV000484691.10), dbSNP rs1376069129, ClinGen allele CA360941486.